The following is an entry in ClinVar:

NM_007373.4(SHOC2):c.323C>G (p.Ser108Cys)

Gene: SHOC2 (SHOC2 leucine rich repeat scaffold protein; plus strand). Cytogenetic location: 10q25.2.
Variant type: single nucleotide variant.
Coding change: c.323C>G on transcript NM_007373.4 (MANE Select); coding-DNA position 323, C replaced by G.
Protein change: p.Ser108Cys; replaces serine 108 with cysteine.
Molecular consequence: missense variant.
Genome position (GRCh38, 1-based): chr10:110,964,681, C>G. VCF-style: chr10-110964681-C-G. GRCh37 (hg19) VCF-style: chr10-112724439-C-G.
Other names: c.323C>G, p.Ser108Cys (NM_001269039.3, NM_001324336.2, NM_001324337.2); short protein forms S108C.
Identifiers: ClinVar variation 981610 (VCV000981610.2), dbSNP rs2493839217, ClinGen allele CA378384070.

ClinVar aggregate classification (germline): Uncertain significance. Review status: criteria provided, single submitter (1 of 4 stars). 2 submissions from 2 submitters: Uncertain significance (1). 1 of the submissions does not count toward it. Last evaluated 2025-02-18.

Conditions:
Noonan syndrome (NS). Also called: Noonan's syndrome. Identifiers: Orphanet 648, MedGen C0028326, MeSH D009634, MONDO:0018997. Disease mechanism: gain of function.
RASopathy. Also called: Noonan spectrum disorder; rasopathies. Identifiers: Orphanet 536391, MedGen C5555857, MONDO:0021060.

Submissions (2):

Labcorp Genetics (formerly Invitae), Labcorp
Classification: Uncertain significance for RASopathy. Last evaluated: 2025-02-18. Review status: criteria provided, single submitter. Criteria: Invitae Variant Classification Sherloc (09022015). Collection method: clinical testing. Allele origin: germline.
Comment: This sequence change replaces serine, which is neutral and polar, with cysteine, which is neutral and slightly polar, at codon 108 of the SHOC2 protein (p.Ser108Cys). This variant is not present in population databases (gnomAD no frequency). This variant has not been reported in the literature in individuals affected with SHOC2-related conditions. ClinVar contains an entry for this variant (Variation ID: 981610). Invitae Evidence Modeling of protein sequence and biophysical properties (such as structural, functional, and spatial information, amino acid conservation, physicochemical variation, residue mobility, and thermodynamic stability) indicates that this missense variant is not expected to disrupt SHOC2 protein function with a negative predictive value of 80%. In summary, the available evidence is currently insufficient to determine the role of this variant in disease. Therefore, it has been classified as a Variant of Uncertain Significance.

Service de Génétique Moléculaire, Hôpital Robert Debré
Classification: Likely benign for Noonan syndrome. Review status: no assertion criteria provided. Collection method: clinical testing. Allele origin: maternal. Affected: no. Not counted in ClinVar's aggregate classification.